The following is an entry in ClinVar:

ClinVar aggregate classification (germline): Pathogenic. Review status: criteria provided, single submitter (1 of 4 stars). 2 submissions from 2 submitters: Pathogenic (1). 1 of the submissions does not count toward it. Last evaluated 2025-12-14.

Conditions:
Pendred syndrome (PDS). Also called: HYPOTHYROIDISM, CONGENITAL, DUE TO DYSHORMONOGENESIS, 2B; Pendred's syndrome; THYROID DYSHORMONOGENESIS 2B; THYROID HORMONOGENESIS, GENETIC DEFECT IN, 2B; Pendred Syndrome (PDS); DEAFNESS WITH GOITER. Identifiers: Orphanet 705, MedGen C0271829, MONDO:0010134, OMIM 274600.

Allele frequency attached by ClinVar (database versions not stated): gnomAD exomes below 0.00001.
gnomAD v4.1: 3 of 1,614,034 alleles (0.00019%); highest among the groups gnomAD compares: Admixed American, 0.0033%; no homozygotes.

Submissions (2):

Labcorp Genetics (formerly Invitae), Labcorp
Classification: Pathogenic. Last evaluated: 2025-12-14. Review status: criteria provided, single submitter. Criteria: Invitae Variant Classification Sherloc (09022015). Collection method: clinical testing. Allele origin: germline.
Comment: This sequence change creates a premature translational stop signal (p.Gln207*) in the SLC26A4 gene. It is expected to result in an absent or disrupted protein product. Loss-of-function variants in SLC26A4 are known to be pathogenic (PMID: 16283880, 25394566, 26252218, 26445815). This variant is present in population databases (no rsID available, gnomAD 0.003%). This variant has not been reported in the literature in individuals affected with SLC26A4-related conditions. ClinVar contains an entry for this variant (Variation ID: 370676). Algorithms developed to predict the effect of sequence changes on RNA splicing suggest that this variant may disrupt the consensus splice site. For these reasons, this variant has been classified as Pathogenic.

Counsyl
Classification: Likely pathogenic for Pendred syndrome. Last evaluated: 2016-03-22. Review status: no assertion criteria provided. Collection method: clinical testing. Allele origin: unknown. Not counted in ClinVar's aggregate classification.

Literature cited by the submitters: PubMed 16283880 (cited by Labcorp Genetics (formerly Invitae), Labcorp); PubMed 25394566 (cited by Labcorp Genetics (formerly Invitae), Labcorp); PubMed 26252218 (cited by Labcorp Genetics (formerly Invitae), Labcorp); PubMed 26445815 (cited by Labcorp Genetics (formerly Invitae), Labcorp).

NM_000441.2(SLC26A4):c.619C>T (p.Gln207Ter)

Gene: SLC26A4 (solute carrier family 26 member 4; plus strand). Cytogenetic location: 7q22.3.
Variant type: single nucleotide variant.
Coding change: c.619C>T on transcript NM_000441.2 (MANE Select); coding-DNA position 619, C replaced by T.
Protein change: p.Gln207Ter; replaces glutamine 207 with a stop codon.
Molecular consequence: nonsense.
Genome position (GRCh38, 1-based): chr7:107,674,963, C>T. VCF-style: chr7-107674963-C-T. GRCh37 (hg19) VCF-style: chr7-107315408-C-T.
Other names: short protein forms Q207*.
Identifiers: ClinVar variation 370676 (VCV000370676.7), dbSNP rs1057516678, ClinGen allele CA16041104.
Genomic context (GRCh38, chr7:107,674,963, plus strand): 5'-TCAGGCAAACATTTAATTTTTCTTTCCTTTTCCTTATCGTAGTTGATATTTGGTGGCTTG[C>T]AGATTGGATTCATAGTGAGGTACTTGGCAGATCCTTTGGTTGGTGGCTTCACAACAGCTG-3'